The following is an entry in ClinVar:

ClinVar aggregate classification (germline): Uncertain significance (1 of 4 stars; one submission).

Conditions:
Inborn genetic diseases. Identifiers: MedGen C0950123, MeSH D030342.

Allele frequency attached by ClinVar (database versions not stated): gnomAD exomes below 0.00001.
gnomAD v4.1: 1 of 1,614,004 alleles (0.000062%); highest among the groups gnomAD compares: African/African-American, 0.0013%; no homozygotes.

Submission:

Ambry Genetics
Classification: Uncertain significance for Inborn genetic diseases. Last evaluated: 2022-07-19. Review status: criteria provided, single submitter. Criteria: Ambry Variant Classification Scheme 2023. Collection method: clinical testing. Allele origin: germline.
Comment: The p.K355N variant (also known as c.1065A>C), located in coding exon 9 of the LRRK2 gene, results from an A to C substitution at nucleotide position 1065. The lysine at codon 355 is replaced by asparagine, an amino acid with similar properties. This amino acid position is conserved. In addition, this alteration is predicted to be tolerated by in silico analysis. Since supporting evidence is limited at this time, the clinical significance of this alteration remains unclear.

NM_198578.4(LRRK2):c.1065A>C (p.Lys355Asn)

Gene: LRRK2 (leucine rich repeat kinase 2; plus strand). Cytogenetic location: 12q12.
Variant type: single nucleotide variant.
Coding change: c.1065A>C on transcript NM_198578.4 (MANE Select); coding-DNA position 1065, A replaced by C.
Protein change: p.Lys355Asn; replaces lysine 355 with asparagine.
Molecular consequence: missense variant.
Genome position (GRCh38, 1-based): chr12:40,251,338, A>C. VCF-style: chr12-40251338-A-C. GRCh37 (hg19) VCF-style: chr12-40645140-A-C.
Other names: short protein forms K355N.
Identifiers: ClinVar variation 1781427 (VCV001781427.2), dbSNP rs2499503489, ClinGen allele CA384407935.
Genomic context (GRCh38, chr12:40,251,338, plus strand): 5'-TCAAGAGAATGATGATGAGGGGGAAGAAGATAAATTGTTTTGGCTGGAAGCCTGTTACAA[A>C]GCATTAACGTGGCATAGAAAGAACAAGCACGTGCAGGTAGGACTCTCATAAATATTAGAG-3'
Protein context (NP_940980.4, residues 345-365): DKLFWLEACY[Lys355Asn]ALTWHRKNKH